The following is an entry in ClinVar:

NM_001375.3(DNASE2):c.621C>G (p.Ser207Arg)

Gene: DNASE2 (deoxyribonuclease 2, lysosomal; minus strand). Cytogenetic location: 19p13.13.
Variant type: single nucleotide variant.
Coding change: c.621C>G on transcript NM_001375.3 (MANE Select); coding-DNA position 621, C replaced by G.
Protein change: p.Ser207Arg; replaces serine 207 with arginine.
Molecular consequence: missense variant.
Genome position (GRCh38, 1-based): chr19:12,878,470, G>C on the plus strand (C>G on the coding strand, the complement: DNASE2 is on the minus strand). VCF-style: chr19-12878470-G-C. GRCh37 (hg19) VCF-style: chr19-12989284-G-C.
Other names: short protein forms S207R.
Identifiers: ClinVar variation 1395526 (VCV001395526.6), dbSNP rs1970342760, ClinGen allele CA404298924.

ClinVar aggregate classification (germline): Uncertain significance (1 of 4 stars; one submission).

Submission:

Labcorp Genetics (formerly Invitae), Labcorp
Classification: Uncertain significance. Last evaluated: 2021-11-28. Review status: criteria provided, single submitter. Criteria: Invitae Variant Classification Sherloc (09022015). Collection method: clinical testing. Allele origin: germline.
Comment: This variant has not been reported in the literature in individuals affected with DNASE2-related conditions. In summary, the available evidence is currently insufficient to determine the role of this variant in disease. Therefore, it has been classified as a Variant of Uncertain Significance. Algorithms developed to predict the effect of missense changes on protein structure and function output the following: SIFT: "Tolerated"; PolyPhen-2: "Benign"; Align-GVGD: "Class C0". The arginine amino acid residue is found in multiple mammalian species, which suggests that this missense change does not adversely affect protein function. This variant is not present in population databases (gnomAD no frequency). This sequence change replaces serine, which is neutral and polar, with arginine, which is basic and polar, at codon 207 of the DNASE2 protein (p.Ser207Arg).